The following is an entry in ClinVar:

NM_000329.3(RPE65):c.166C>T (p.Pro56Ser)

Gene: RPE65 (retinoid isomerohydrolase RPE65; minus strand). Cytogenetic location: 1p31.3.
Variant type: single nucleotide variant.
Coding change: c.166C>T on transcript NM_000329.3 (MANE Select); coding-DNA position 166, C replaced by T.
Protein change: p.Pro56Ser; replaces proline 56 with serine.
Molecular consequence: missense variant.
Genome position (GRCh38, 1-based): chr1:68,446,789, G>A on the plus strand (C>T on the coding strand, the complement: RPE65 is on the minus strand). VCF-style: chr1-68446789-G-A. GRCh37 (hg19) VCF-style: chr1-68912472-G-A.
Other names: c.166C>T, p.Pro56Ser (NM_001406853.1, NM_001406859.1, NM_001406860.1); c.-111C>T (NM_001406857.1); short protein forms P56S.
Identifiers: ClinVar variation 2418232 (VCV002418232.4), dbSNP rs1193374066, ClinGen allele CA340749095.
Genomic context (GRCh38, chr1:68,446,789, plus strand): 5'-GTCCTTCTTTAAAGTCAAACTTGTGCAGGAGGGCTTGCCCATCAAACAGGTGGTAAAATG[G>A]CTCAGATCCAACTTCAAAGAGTCCTGGCCCACATCGAAGGAGACTGCCGGTGAGCCAGAG-3'
Protein context (NP_000320.1, residues 46-66): GPGLFEVGSE[Pro56Ser]FYHLFDGQAL

ClinVar aggregate classification (germline): Uncertain significance. Review status: criteria provided, multiple submitters, no conflicts (2 of 4 stars). 2 submissions from 2 submitters: Uncertain significance (2). Last evaluated 2021-11-01.

Conditions:
Retinitis pigmentosa 20 (RP20). Identifiers: Orphanet 791, MedGen C3151086, MONDO:0013425, OMIM 613794.
Leber congenital amaurosis 2 (LCA2). Also called: AMAUROSIS CONGENITA OF LEBER II; Autosomal Recessive RPE65-Related Retinal Degeneration. Identifiers: Orphanet 65, MedGen C1859844, MONDO:0008765, OMIM 204100. Disease mechanism: loss of function.

Submissions (2):

Labcorp Genetics (formerly Invitae), Labcorp
Classification: Uncertain significance for Leber congenital amaurosis 2; Retinitis pigmentosa 20. Last evaluated: 2021-11-01. Review status: criteria provided, single submitter. Criteria: Invitae Variant Classification Sherloc (09022015). Collection method: clinical testing. Allele origin: germline.
Comment: This sequence change replaces proline, which is neutral and non-polar, with serine, which is neutral and polar, at codon 56 of the RPE65 protein (p.Pro56Ser). This variant is not present in population databases (gnomAD no frequency). This variant has not been reported in the literature in individuals affected with RPE65-related conditions. Algorithms developed to predict the effect of missense changes on protein structure and function (SIFT, PolyPhen-2, Align-GVGD) all suggest that this variant is likely to be tolerated. In summary, the available evidence is currently insufficient to determine the role of this variant in disease. Therefore, it has been classified as a Variant of Uncertain Significance.

Blueprint Genetics
Classification: Uncertain significance. Last evaluated: 2021-06-21. Review status: criteria provided, single submitter. Criteria: ACMG Guidelines, 2015. Collection method: clinical testing. Allele origin: germline.